The following is an entry in ClinVar:

ClinVar aggregate classification (germline): Likely benign. Review status: criteria provided, multiple submitters, no conflicts (2 of 4 stars). 3 submissions from 3 submitters: Likely benign (3). Last evaluated 2024-07-01.

Allele frequency attached by ClinVar (database versions not stated): gnomAD exomes below 0.00001 and 0.00005; gnomAD 0.00001; ExAC 0.00002; TOPMed 0.00002; ESP Exome Variant Server 0.00015.
gnomAD v4.1: 75 of 1,612,708 alleles (0.0047%); highest among the groups gnomAD compares: Non-Finnish European, 0.0057%; no homozygotes.

Submissions (3):

CeGaT Center for Human Genetics Tuebingen
Classification: Likely benign. Last evaluated: 2024-07-01. Review status: criteria provided, single submitter. Criteria: CeGaT Center For Human Genetics Tuebingen Variant Classification Criteria Version 2. Collection method: clinical testing. Allele origin: germline. Affected: yes. Observed: 1 variant allele.
Comment: ESPN: BP4, BP7

Blueprint Genetics
Classification: Likely benign. Last evaluated: 2023-07-19. Review status: criteria provided, single submitter. Criteria: ACMG Guidelines, 2015. Collection method: clinical testing. Allele origin: germline.

Labcorp Genetics (formerly Invitae), Labcorp
Classification: Likely benign. Last evaluated: 2021-10-27. Review status: criteria provided, single submitter. Criteria: Invitae Variant Classification Sherloc (09022015). Collection method: clinical testing. Allele origin: germline.

NM_031475.3(ESPN):c.2034C>T (p.Phe678=)

Gene: ESPN (espin; plus strand). Cytogenetic location: 1p36.31.
Variant type: single nucleotide variant.
Coding change: c.2034C>T on transcript NM_031475.3 (MANE Select); coding-DNA position 2034, C replaced by T.
Protein change: p.Phe678=; no amino-acid change (phenylalanine 678 retained).
Molecular consequence: synonymous variant.
Genome position (GRCh38, 1-based): chr1:6,451,721, C>T. VCF-style: chr1-6451721-C-T. GRCh37 (hg19) VCF-style: chr1-6511781-C-T.
Other names: c.1944C>T, p.Phe648= (NM_001367473.1); c.1971C>T, p.Phe657= (NM_001367474.1).
Identifiers: ClinVar variation 1640957 (VCV001640957.26), dbSNP rs149516970, ClinGen allele CA560347.